The following is an entry in ClinVar:

NM_000051.4(ATM):c.1232C>T (p.Pro411Leu)

Gene: ATM (ATM serine/threonine kinase; plus strand). Cytogenetic location: 11q22.3.
Variant type: single nucleotide variant.
Coding change: c.1232C>T on transcript NM_000051.4 (MANE Select); coding-DNA position 1232, C replaced by T.
Protein change: p.Pro411Leu; replaces proline 411 with leucine.
Molecular consequence: missense variant.
Genome position (GRCh38, 1-based): chr11:108,249,099, C>T. VCF-style: chr11-108249099-C-T. GRCh37 (hg19) VCF-style: chr11-108119826-C-T.
Other names: c.1232C>T, p.Pro411Leu (NM_001351834.2); short protein forms P411L.
Identifiers: ClinVar variation 3662984 (VCV003662984.4).
Genomic context (GRCh38, chr11:108,249,099, plus strand): 5'-TAGGCTGGGAAGTAATAAAAGATCACCTTCAGAAGTCACAGAATGATTTTGATCTTGTGC[C>T]TTGGTAAAGTGTTACCATTTTCTCATTCAGTGTCATTTTAATCTCTTGTATGTTATTTTT-3'
Protein context (NP_000042.3, residues 401-421): QKSQNDFDLV[Pro411Leu]WLQIATQLIS

ClinVar aggregate classification (germline): Uncertain significance. Review status: criteria provided, multiple submitters, no conflicts (2 of 4 stars). 3 submissions from 3 submitters: Uncertain significance (3). Last evaluated 2026-02-27.

Conditions:
Ataxia-telangiectasia syndrome (AT). Also called: Ataxia-telangiectasia, complementation group E; LOUIS-BAR SYNDROME; Cerebello-oculocutaneous telangiectasia; Immunodeficiency with ataxia telangiectasia; Ataxia-telangiectasia, complementation group D; AT, COMPLEMENTATION GROUP C. Identifiers: Orphanet 100, MedGen C0004135, MONDO:0008840, OMIM 208900.
Hereditary cancer-predisposing syndrome. Also called: Hereditary Cancer Syndrome; Neoplastic Syndromes, Hereditary; Tumor predisposition; Hereditary neoplastic syndrome. Identifiers: Orphanet 140162, MedGen C0027672, MeSH D009386, MONDO:0015356.
Familial cancer of breast. Also called: BREAST CANCER, FAMILIAL; hereditary breast carcinoma; Hereditary breast cancer. Identifiers: Orphanet 227535, MedGen C0346153, MONDO:0016419, OMIM 114480. Disease mechanism: loss of function.

Submissions (3):

Ambry Genetics
Classification: Uncertain significance for Hereditary cancer-predisposing syndrome. Last evaluated: 2026-02-27. Review status: criteria provided, single submitter. Criteria: Ambry Variant Classification Scheme 2023. Collection method: clinical testing. Allele origin: germline.
Comment: The p.P411L variant (also known as c.1232C>T), located in coding exon 8 of the ATM gene, results from a C to T substitution at nucleotide position 1232. The proline at codon 411 is replaced by leucine, an amino acid with similar properties. This amino acid position is highly conserved in available vertebrate species. In addition, this alteration is predicted to be tolerated by in silico analysis. Based on the available evidence, the clinical significance of this variant remains unclear.

Labcorp Genetics (formerly Invitae), Labcorp
Classification: Uncertain significance for Ataxia-telangiectasia syndrome. Last evaluated: 2024-08-20. Review status: criteria provided, single submitter. Criteria: Invitae Variant Classification Sherloc (09022015). Collection method: clinical testing. Allele origin: germline.
Comment: This sequence change replaces proline, which is neutral and non-polar, with leucine, which is neutral and non-polar, at codon 411 of the ATM protein (p.Pro411Leu). This variant is present in population databases (no rsID available, gnomAD 0.006%). This variant has not been reported in the literature in individuals affected with ATM-related conditions. An algorithm developed to predict the effect of missense changes on protein structure and function (PolyPhen-2) suggests that this variant is likely to be disruptive. In summary, the available evidence is currently insufficient to determine the role of this variant in disease. Therefore, it has been classified as a Variant of Uncertain Significance.

Department of Pathology and Laboratory Medicine, Sinai Health System
Classification: Uncertain significance for Familial cancer of breast. Last evaluated: 2023-11-27. Review status: criteria provided, single submitter. Criteria: ACMG Guidelines, 2015. Collection method: clinical testing. Allele origin: germline. Affected: yes.